The following is an entry in ClinVar:

NM_000363.5(TNNI3):c.410G>A (p.Gly137Asp)

Gene: TNNI3 (troponin I3, cardiac type; minus strand). Cytogenetic location: 19q13.42.
Variant type: single nucleotide variant.
Coding change: c.410G>A on transcript NM_000363.5 (MANE Select); coding-DNA position 410, G replaced by A.
Protein change: p.Gly137Asp; replaces glycine 137 with aspartic acid.
Molecular consequence: missense variant.
Genome position (GRCh38, 1-based): chr19:55,154,169, C>T on the plus strand (G>A on the coding strand, the complement: TNNI3 is on the minus strand). VCF-style: chr19-55154169-C-T. GRCh37 (hg19) VCF-style: chr19-55665537-C-T.
Other names: short protein forms G137D.
Identifiers: ClinVar variation 2587954 (VCV002587954.4), dbSNP rs2515498564, ClinGen allele CA407440660.

ClinVar aggregate classification (germline): Uncertain significance. Review status: criteria provided, multiple submitters, no conflicts (2 of 4 stars). 2 submissions from 2 submitters: Uncertain significance (2). Last evaluated 2025-12-16.

Conditions:
Cardiovascular phenotype. Identifiers: MedGen CN230736.
Hypertrophic cardiomyopathy. Also called: HYPERTROPHIC MYOCARDIOPATHY. Identifiers: Orphanet 217569, MedGen C0007194, MeSH D002312, MONDO:0005045, HP:0001639.

Submissions (2):

Labcorp Genetics (formerly Invitae), Labcorp
Classification: Uncertain significance for Hypertrophic cardiomyopathy. Last evaluated: 2025-12-16. Review status: criteria provided, single submitter. Criteria: Invitae Variant Classification Sherloc (09022015). Collection method: clinical testing. Allele origin: germline.
Comment: This sequence change replaces glycine, which is neutral and non-polar, with aspartic acid, which is acidic and polar, at codon 137 of the TNNI3 protein (p.Gly137Asp). This variant is not present in population databases (gnomAD no frequency). This variant has not been reported in the literature in individuals affected with TNNI3-related conditions. ClinVar contains an entry for this variant (Variation ID: 2587954). An algorithm developed to predict the effect of missense changes on protein structure and function (PolyPhen-2) suggests that this variant is likely to be disruptive. This variant disrupts the p.Gly137 amino acid residue in TNNI3. Other variant(s) that disrupt this residue have been determined to be pathogenic (internal data). This suggests that this residue is clinically significant, and that variants that disrupt this residue are likely to be disease-causing. In summary, the available evidence is currently insufficient to determine the role of this variant in disease. Therefore, it has been classified as a Variant of Uncertain Significance.

Ambry Genetics
Classification: Uncertain significance for Cardiovascular phenotype. Last evaluated: 2023-09-07. Review status: criteria provided, single submitter. Criteria: Ambry Variant Classification Scheme 2023. Collection method: clinical testing. Allele origin: germline.
Comment: The p.G137D variant (also known as c.410G>A), located in coding exon 7 of the TNNI3 gene, results from a G to A substitution at nucleotide position 410. The glycine at codon 137 is replaced by aspartic acid, an amino acid with similar properties. This amino acid position is highly conserved in available vertebrate species. In addition, this alteration is predicted to be deleterious by in silico analysis. Since supporting evidence is limited at this time, the clinical significance of this alteration remains unclear.